The following is an entry in ClinVar:

NM_001369369.1(FOXN1):c.772C>A (p.Pro258Thr)

Gene: FOXN1 (forkhead box N1; plus strand). Cytogenetic location: 17q11.2.
Variant type: single nucleotide variant.
Coding change: c.772C>A on transcript NM_001369369.1 (MANE Select); coding-DNA position 772, C replaced by A.
Protein change: p.Pro258Thr; replaces proline 258 with threonine.
Molecular consequence: missense variant.
Genome position (GRCh38, 1-based): chr17:28,529,166, C>A. VCF-style: chr17-28529166-C-A. GRCh37 (hg19) VCF-style: chr17-26856184-C-A.
Other names: c.772C>A, p.Pro258Thr (NM_003593.3); short protein forms P258T.
Identifiers: ClinVar variation 2063001 (VCV002063001.3), dbSNP rs1487431934, ClinGen allele CA398323171.
Genomic context (GRCh38, chr17:28,529,166, plus strand): 5'-GGTGGCAGCTACCCCATACCCTACCTGGGCTCCTCACACTATCAGTACCAGCGAATGGCA[C>A]CCCAGGCCAGCACCGATGGGCACCAGCCTCTCTTCCCAAAACCCATCTATTCCTACAGGT-3'
Protein context (NP_001356298.1, residues 248-268): SSHYQYQRMA[Pro258Thr]QASTDGHQPL

ClinVar aggregate classification (germline): Uncertain significance. Review status: criteria provided, multiple submitters, no conflicts (2 of 4 stars). 2 submissions from 2 submitters: Uncertain significance (2). Last evaluated 2025-07-22.

Conditions:
T-cell immunodeficiency, congenital alopecia, and nail dystrophy. Also called: Congenital alopecia and nail dystrophy associated with severe functional T-cell immunodeficiency; Pignata Guarino syndrome. Identifiers: Orphanet 169095, MedGen C1866426, MONDO:0011132, OMIM 601705.

Allele frequency attached by ClinVar (database versions not stated): gnomAD exomes 0.00002.

Submissions (2):

Labcorp Genetics (formerly Invitae), Labcorp
Classification: Uncertain significance for T-cell immunodeficiency, congenital alopecia, and nail dystrophy. Last evaluated: 2025-07-22. Review status: criteria provided, single submitter. Criteria: Invitae Variant Classification Sherloc (09022015). Collection method: clinical testing. Allele origin: germline.
Comment: This sequence change replaces proline, which is neutral and non-polar, with threonine, which is neutral and polar, at codon 258 of the FOXN1 protein (p.Pro258Thr). This variant is present in population databases (no rsID available, gnomAD 0.0009%). This variant has not been reported in the literature in individuals affected with FOXN1-related conditions. ClinVar contains an entry for this variant (Variation ID: 2063001). Invitae Evidence Modeling of protein sequence and biophysical properties (such as structural, functional, and spatial information, amino acid conservation, physicochemical variation, residue mobility, and thermodynamic stability) indicates that this missense variant is not expected to disrupt FOXN1 protein function with a negative predictive value of 80%. In summary, the available evidence is currently insufficient to determine the role of this variant in disease. Therefore, it has been classified as a Variant of Uncertain Significance.

Blueprint Genetics
Classification: Uncertain significance. Last evaluated: 2024-09-24. Review status: criteria provided, single submitter. Criteria: ACMG Guidelines, 2015. Collection method: clinical testing. Allele origin: germline.